The following is an entry in ClinVar:

NM_000157.4(GBA1):c.1172_1173del (p.Val391fs)

Genes: GBA1 (glucosylceramidase beta 1; minus strand), LOC106627981 (GBA recombination region; plus strand). Cytogenetic location: 1q22.
Variant type: Microsatellite.
Coding change: c.1172_1173del on transcript NM_000157.4 (MANE Select); coding-DNA positions 1172 to 1173, 2 bases deleted (TG; older notation c.1172_1173delTG).
Protein change: p.Val391fs; shifts the reading frame from valine 391.
Molecular consequence: frameshift variant.
Genome position (GRCh38, 1-based): chr1:155,236,296-155,236,297, CA deleted on the plus strand (TG on the coding strand, the reverse complement: GBA1 is on the minus strand); deleting any 2 consecutive bases within chr1:155,236,296-155,236,300 gives the same sequence; the c. name uses the placement nearest the transcript's 3' end. VCF-style (leftmost placement, unchanged base first): chr1-155236295-GCA-G. GRCh37 (hg19) VCF-style: chr1-155206086-GCA-G.
Other names: c.1172_1173del, p.Val391fs (NM_001005741.3, NM_001005742.3); c.911_912del, p.Val304fs (NM_001171811.2); c.1025_1026del, p.Val342fs (NM_001171812.2); short protein forms V304fs, V342fs, V391fs.
Identifiers: ClinVar variation 4817687 (VCV004817687.1).

ClinVar aggregate classification (germline): Likely pathogenic (1 of 4 stars; one submission).

Conditions:
Gaucher disease. Also called: Acute cerebral Gaucher disease; Cerebroside lipidosis syndrome; Gaucher splenomegaly; Sphingolipidosis 1; Glucocerebrosidosis; Glucosylceramidase deficiency. Identifiers: Orphanet 355, MedGen C0017205, MONDO:0018150.

Submission:

Natera, Inc.
Classification: Likely pathogenic for Gaucher disease. Last evaluated: 2024-04-03. Review status: criteria provided, single submitter. Criteria: Natera Variant Classification Schema (03/2026). Collection method: clinical testing. Allele origin: germline.
Comment: The c.1172_1173delTG variant in GBA1 is a frameshift variant predicted to shift the reading frame beginning at codon 391 and leads to a stop codon 44 codons downstream. This variant is expected to result in nonsense mediated decay, truncation, or a dysfunctional protein product. This variant is rare in the general population with a frequency below the threshold expected for the associated phenotype(s). Given the available evidence, this variant is classified as Likely Pathogenic.